The following is an entry in ClinVar:

NM_002890.3(RASA1):c.2798_2804del (p.Val933fs)

Genes: CCNH (cyclin H; minus strand), RASA1 (RAS p21 protein activator 1; plus strand). Cytogenetic location: 5q14.3.
Variant type: Deletion.
Coding change: c.2798_2804del on transcript NM_002890.3 (MANE Select); coding-DNA positions 2798 to 2804, 7 bases deleted (TGGCTAA; older notation c.2798_2804delTGGCTAA).
Protein change: p.Val933fs; shifts the reading frame from valine 933.
Molecular consequence: frameshift variant. On other transcripts: intron variant (1).
Genome position (GRCh38, 1-based): chr5:87,385,340-87,385,346, TGGCTAA deleted. VCF-style (leftmost placement, unchanged base first): chr5-87385339-GTGGCTAA-G. GRCh37 (hg19) VCF-style: chr5-86681156-GTGGCTAA-G.
Other names: c.2267_2273del, p.Val756fs (NM_022650.3); c.933+9698_933+9704del (NM_001364075.2); short protein forms V933fs, V756fs.
Identifiers: ClinVar variation 426630 (VCV000426630.4), dbSNP rs1085307720, ClinGen allele CA645293866.

ClinVar aggregate classification (germline): Pathogenic (1 of 4 stars; one submission).

Submission:

GeneDx
Classification: Pathogenic. Last evaluated: 2017-04-10. Review status: criteria provided, single submitter. Criteria: GeneDx Variant Classification (06012015). Collection method: clinical testing. Allele origin: germline. Affected: yes.
Comment: The c.2798_2804delTGGCTAA variant in the RASA1 gene has not been reported previously as a pathogenic variant nor as a benign variant, to our knowledge. The c.2798_2804delTGGCTAA variant causes a frameshift starting with codon Valine 933, changes this amino acid to an Aspartic acid residue, and creates a premature Stop codon at position 6 of the new reading frame, denoted p.Val933AspfsX6. This variant is predicted to cause loss of normal protein function either through protein truncation or nonsense-mediated mRNA decay. The c.2798_2804delTGGCTAA variant is not observed in large population cohorts (Lek et al., 2016; 1000 Genomes Consortium et al., 2015; Exome Variant Server). We interpret c.2798_2804delTGGCTAA as a pathogenic variant.